The following is an entry in ClinVar:

NM_004336.5(BUB1):c.3080T>C (p.Met1027Thr)

Gene: BUB1 (BUB1 mitotic checkpoint serine/threonine kinase; minus strand). Cytogenetic location: 2q13.
Variant type: single nucleotide variant.
Coding change: c.3080T>C on transcript NM_004336.5 (MANE Select); coding-DNA position 3080, T replaced by C.
Protein change: p.Met1027Thr; replaces methionine 1027 with threonine.
Molecular consequence: missense variant.
Genome position (GRCh38, 1-based): chr2:110,638,142, A>G on the plus strand (T>C on the coding strand, the complement: BUB1 is on the minus strand). VCF-style: chr2-110638142-A-G. GRCh37 (hg19) VCF-style: chr2-111395719-A-G.
Other names: c.3020T>C, p.Met1007Thr (NM_001278616.2); c.2909T>C, p.Met970Thr (NM_001278617.2); short protein forms M1007T, M1027T, M970T.
Identifiers: ClinVar variation 1727370 (VCV001727370.3), dbSNP rs1022475028, ClinGen allele CA53520657.

ClinVar aggregate classification (germline): Uncertain significance (1 of 4 stars; one submission).

Allele frequency attached by ClinVar (database versions not stated): TOPMed below 0.00001.

Submission:

Ambry Genetics
Classification: Uncertain significance. Last evaluated: 2024-08-31. Review status: criteria provided, single submitter. Criteria: Ambry Variant Classification Scheme 2023. Collection method: clinical testing. Allele origin: germline.
Comment: The p.M1027T variant (also known as c.3080T>C), located in coding exon 25 of the BUB1 gene, results from a T to C substitution at nucleotide position 3080. The methionine at codon 1027 is replaced by threonine, an amino acid with similar properties. This amino acid position is conserved. In addition, this alteration is predicted to be tolerated by in silico analysis. Since supporting evidence is limited at this time, the clinical significance of this alteration remains unclear.